The following is an entry in ClinVar:

ClinVar aggregate classification (germline): Uncertain significance. Review status: criteria provided, multiple submitters, no conflicts (2 of 4 stars). 2 submissions from 2 submitters: Uncertain significance (2). Last evaluated 2022-04-26.

Conditions:
Cystinuria (CSNU). Also called: Cystinuria, non-type I; CYSTINURIA, TYPE I; CYSTINURIA, TYPE II; CYSTINURIA, TYPE III. Identifiers: Orphanet 214, MedGen C0010691, MONDO:0009067, OMIM 220100, HP:0003131.

Allele frequency attached by ClinVar (database versions not stated): ExAC 0.00002.
gnomAD v4.1: 38 of 1,613,830 alleles (0.0024%); highest among the groups gnomAD compares: Middle Eastern, 0.049%; no homozygotes.

Submissions (2):

Labcorp Genetics (formerly Invitae), Labcorp
Classification: Uncertain significance for Cystinuria. Last evaluated: 2022-04-26. Review status: criteria provided, single submitter. Criteria: Invitae Variant Classification Sherloc (09022015). Collection method: clinical testing. Allele origin: germline.
Comment: This sequence change replaces serine, which is neutral and polar, with asparagine, which is neutral and polar, at codon 676 of the SLC3A1 protein (p.Ser676Asn). This variant is present in population databases (rs750128585, gnomAD 0.08%). This variant has not been reported in the literature in individuals affected with SLC3A1-related conditions. Algorithms developed to predict the effect of missense changes on protein structure and function (SIFT, PolyPhen-2, Align-GVGD) all suggest that this variant is likely to be tolerated. In summary, the available evidence is currently insufficient to determine the role of this variant in disease. Therefore, it has been classified as a Variant of Uncertain Significance.

Breakthrough Genomics
Classification: Uncertain significance. Review status: criteria provided, single submitter. Criteria: ACMG Guidelines, 2015. Collection method: not provided. Allele origin: germline. Inheritance: Autosomal recessive inheritance. Affected: yes.

NM_000341.4(SLC3A1):c.2027G>A (p.Ser676Asn)

Genes: PREPL (prolyl endopeptidase like; minus strand), SLC3A1 (solute carrier family 3 member 1; plus strand). Cytogenetic location: 2p21.
Variant type: single nucleotide variant.
Coding change: c.2027G>A on transcript NM_000341.4 (MANE Select); coding-DNA position 2027, G replaced by A.
Protein change: p.Ser676Asn; replaces serine 676 with asparagine.
Molecular consequence: missense variant. On other transcripts: 3 prime UTR variant (10).
Genome position (GRCh38, 1-based): chr2:44,320,608, G>A. VCF-style: chr2-44320608-G-A. GRCh37 (hg19) VCF-style: chr2-44547747-G-A.
Other names: c.*748C>T (NM_001042385.2, NM_001042386.2, NM_001171603.1 and 7 more transcripts); short protein forms S676N.
Identifiers: ClinVar variation 2197935 (VCV002197935.2), dbSNP rs750128585, ClinGen allele CA1640821.